The following is an entry in ClinVar:

ClinVar aggregate classification (germline): Benign/Likely benign. Review status: criteria provided, multiple submitters, no conflicts (2 of 4 stars). 6 submissions from 6 submitters: Benign (2); Likely benign (4). Last evaluated 2025-12-14.

Conditions:
Lynch syndrome 5 (LYNCH5). Also called: Colorectal cancer, hereditary nonpolyposis, type 5; Hereditary non-polyposis colorectal cancer, type 5. Identifiers: Orphanet 144, MedGen C1833477, MONDO:0013710, OMIM 614350. Disease mechanism: loss of function.
Hereditary cancer-predisposing syndrome. Also called: Hereditary Cancer Syndrome; Neoplastic Syndromes, Hereditary; Tumor predisposition; Hereditary neoplastic syndrome. Identifiers: Orphanet 140162, MedGen C0027672, MeSH D009386, MONDO:0015356.
Lynch syndrome. Identifiers: Orphanet 144, MedGen C4552100, MONDO:0005835. Disease mechanism: loss of function.
Hereditary nonpolyposis colorectal neoplasms. Identifiers: MedGen C0009405, MeSH D003123.

Allele frequency attached by ClinVar (database versions not stated): gnomAD exomes below 0.00001.

Submissions (6):

Labcorp Genetics (formerly Invitae), Labcorp
Classification: Likely benign for Hereditary nonpolyposis colorectal neoplasms. Last evaluated: 2025-12-14. Review status: criteria provided, single submitter. Criteria: Invitae Variant Classification Sherloc (09022015). Collection method: clinical testing. Allele origin: germline.

KCCC/NGS Laboratory, Kuwait Cancer Control Center
Classification: Benign for Lynch syndrome 5. Last evaluated: 2025-02-01. Review status: criteria provided, single submitter. Criteria: ACMG Guidelines, 2015. Collection method: clinical testing. Allele origin: germline. Affected: no.

Myriad Genetics, Inc.
Classification: Benign for Lynch syndrome 5. Last evaluated: 2025-01-02. Review status: criteria provided, single submitter. Criteria: Myriad Autosomal Dominant, Autosomal Recessive and X-Linked Classification Criteria (2023). Collection method: clinical testing. Allele origin: unknown.
Comment: This variant is considered benign. This variant is a silent/synonymous amino acid change and it is not expected to impact splicing.

All of Us Research Program, National Institutes of Health
Classification: Likely benign for Lynch syndrome. Last evaluated: 2024-03-14. Review status: criteria provided, single submitter. Criteria: ACMG Guidelines, 2015. Collection method: clinical testing. Allele origin: germline. Inheritance: Autosomal dominant inheritance. Observed: 1 variant allele, 1 heterozygote.
Comment: This study involves interpretation of variants in research participants for the purpose of population health screening. Participant phenotype was not available at the time of variant classification. Additional details can be found in publication PMID: 35346344, PMCID: PMC8962531

Ambry Genetics
Classification: Likely benign for Hereditary cancer-predisposing syndrome. Last evaluated: 2017-05-04. Review status: criteria provided, single submitter. Criteria: Ambry Variant Classification Scheme 2023. Collection method: clinical testing. Allele origin: germline.

Color Diagnostics, LLC DBA Color Health
Classification: Likely benign for Hereditary cancer-predisposing syndrome. Last evaluated: 2017-01-17. Review status: criteria provided, single submitter. Criteria: ACMG Guidelines, 2015. Collection method: clinical testing. Allele origin: germline.

NM_000179.3(MSH6):c.2907T>C (p.Tyr969=)

Gene: MSH6 (mutS homolog 6; plus strand). Cytogenetic location: 2p16.3.
Variant type: single nucleotide variant.
Coding change: c.2907T>C on transcript NM_000179.3 (MANE Select); coding-DNA position 2907, T replaced by C.
Protein change: p.Tyr969=; no amino-acid change (tyrosine 969 retained).
Molecular consequence: synonymous variant.
Genome position (GRCh38, 1-based): chr2:47,800,890, T>C. VCF-style: chr2-47800890-T-C. GRCh37 (hg19) VCF-style: chr2-48028029-T-C.
Other names: c.2517T>C, p.Tyr839= (NM_001281492.2); c.2001T>C, p.Tyr667= (NM_001281493.2, NM_001281494.2).
Identifiers: ClinVar variation 480914 (VCV000480914.21), dbSNP rs1553414274, ClinGen allele CA426122023.